The following is an entry in ClinVar:

ClinVar aggregate classification (germline): Uncertain significance (1 of 4 stars; one submission).

Conditions:
GATA binding protein 1 related thrombocytopenia with dyserythropoiesis. Also called: GATA1-Related X-Linked Cytopenia; GATA1-Related Cytopenia. Identifiers: MedGen C1845837, MONDO:0100089.
Diamond-Blackfan anemia. Also called: Blackfan Diamond syndrome; Aregenerative anemia chronic congenital; Red cell aplasia, pure hereditary; Congenital hypoplastic anemia; Aase syndrome. Identifiers: Orphanet 124, MedGen C1260899, MeSH D029503, MONDO:0015253, HP:0004810.

Submission:

Labcorp Genetics (formerly Invitae), Labcorp
Classification: Uncertain significance for GATA binding protein 1 related thrombocytopenia with dyserythropoiesis; Diamond-Blackfan anemia. Last evaluated: 2024-04-02. Review status: criteria provided, single submitter. Criteria: Invitae Variant Classification Sherloc (09022015). Collection method: clinical testing. Allele origin: germline.
Comment: This sequence change replaces glycine, which is neutral and non-polar, with glutamic acid, which is acidic and polar, at codon 374 of the GATA1 protein (p.Gly374Glu). This variant is not present in population databases (gnomAD no frequency). This variant has not been reported in the literature in individuals affected with GATA1-related conditions. Advanced modeling of protein sequence and biophysical properties (such as structural, functional, and spatial information, amino acid conservation, physicochemical variation, residue mobility, and thermodynamic stability) performed at Invitae indicates that this missense variant is not expected to disrupt GATA1 protein function with a negative predictive value of 80%. In summary, the available evidence is currently insufficient to determine the role of this variant in disease. Therefore, it has been classified as a Variant of Uncertain Significance.

NM_002049.4(GATA1):c.1121G>A (p.Gly374Glu)

Gene: GATA1 (GATA binding protein 1; plus strand). Cytogenetic location: Xp11.23.
Variant type: single nucleotide variant.
Coding change: c.1121G>A on transcript NM_002049.4 (MANE Select); coding-DNA position 1121, G replaced by A.
Protein change: p.Gly374Glu; replaces glycine 374 with glutamic acid.
Molecular consequence: missense variant.
Genome position (GRCh38, 1-based): chrX:48,794,043, G>A. VCF-style: chrX-48794043-G-A. GRCh37 (hg19) VCF-style: chrX-48652450-G-A.
Other names: short protein forms G374E.
Identifiers: ClinVar variation 3762008 (VCV003762008.2).
Genomic context (GRCh38, chrX:48,794,043, plus strand): 5'-CACTGGGCCCCCCAGGTACTGCCCATCTCTACCAAGGCCTGGGCCCTGTGGTGCTGTCAG[G>A]GCCTGTTAGCCACCTCATGCCTTTCCCTGGACCCCTACTGGGCTCACCCACGGGCTCCTT-3'
Protein context (NP_002040.1, residues 364-384): YQGLGPVVLS[Gly374Glu]PVSHLMPFPG